The following is an entry in ClinVar:

ClinVar aggregate classification (germline): Likely benign (1 of 4 stars; one submission).

Conditions:
OGDH-related disorder. Also called: OGDH-related condition.

gnomAD v4.1: 1 of 1,614,162 alleles (0.000062%); highest among the groups gnomAD compares: African/African-American, 0.0013%; no homozygotes.

Submission:

PreventionGenetics, part of Exact Sciences
Classification: Likely benign for OGDH-related condition. Last evaluated: 2026-02-10. Review status: criteria provided, single submitter. Criteria: ACMG Guidelines, 2015. Collection method: clinical testing. Allele origin: germline.
Comment: This variant is classified as likely benign based on ACMG/AMP sequence variant interpretation guidelines (Richards et al. 2015 PMID: 25741868, with internal and published modifications).

NM_002541.4(OGDH):c.828G>A (p.Lys276=)

Gene: OGDH (oxoglutarate dehydrogenase; plus strand). Cytogenetic location: 7p13.
Variant type: single nucleotide variant.
Coding change: c.828G>A on transcript NM_002541.4 (MANE Select); coding-DNA position 828, G replaced by A.
Protein change: p.Lys276=; no amino-acid change (lysine 276 retained).
Molecular consequence: synonymous variant.
Genome position (GRCh38, 1-based): chr7:44,674,450, G>A. VCF-style: chr7-44674450-G-A. GRCh37 (hg19) VCF-style: chr7-44714049-G-A.
Other names: c.828G>A, p.Lys276= (NM_001003941.3, NM_001439008.1); c.816G>A, p.Lys272= (NM_001165036.2, NM_001439009.1); c.861G>A, p.Lys287= (NM_001363523.2); c.873G>A, p.Lys291= (NM_001439007.1).
Identifiers: ClinVar variation 4994657 (VCV004994657.1).
Genomic context (GRCh38, chr7:44,674,450, plus strand): 5'-GTGGCTTGGTTCCCTGTCCAGGTTTGAGGAGTTCCTACAGCGGAAGTGGTCCTCTGAGAA[G>A]CGCTTTGGTCTAGAAGGCTGCGAGGTACTGATCCCTGCCCTCAAGACCATCATTGACAAG-3'
Protein context (NP_002532.2, residues 266-286): EFLQRKWSSE[Lys276=]RFGLEGCEVL